The following is an entry in ClinVar:

ClinVar aggregate classification (germline): Likely benign. Review status: criteria provided, multiple submitters, no conflicts (2 of 4 stars). 4 submissions from 4 submitters: Likely benign (4). Last evaluated 2026-06-26.

Conditions:
Sessile serrated polyposis cancer syndrome (SSPCS). Identifiers: Orphanet 157798, MedGen C4310714, MONDO:0014919, OMIM 617108.
Hyperplastic polyposis syndrome. Identifiers: Orphanet 157798, MedGen C4296896, MONDO:0015524.

gnomAD v4.1: 35 of 1,612,380 alleles (0.0022%); highest among the groups gnomAD compares: Admixed American, 0.0083%; no homozygotes.

Submissions (4):

Myriad Genetics, Inc.
Classification: Likely benign for Sessile serrated polyposis cancer syndrome. Last evaluated: 2026-06-26. Review status: criteria provided, single submitter. Criteria: Myriad Autosomal Dominant, Autosomal Recessive and X-Linked Classification Criteria (2023). Collection method: clinical testing. Allele origin: unknown.
Comment: This variant is considered likely benign. This variant is intronic and is not expected to impact mRNA splicing.

Labcorp Genetics (formerly Invitae), Labcorp
Classification: Likely benign. Last evaluated: 2025-07-21. Review status: criteria provided, single submitter. Criteria: Invitae Variant Classification Sherloc (09022015). Collection method: clinical testing. Allele origin: germline.

Center for Genomic Medicine, Rigshospitalet, Copenhagen University Hospital
Classification: Likely benign. Last evaluated: 2025-03-04. Review status: criteria provided, single submitter. Criteria: ACMG Guidelines, 2015. Collection method: clinical testing. Allele origin: germline.

Department of Pathology and Laboratory Medicine, Sinai Health System
Classification: Likely benign for Hyperplastic polyposis syndrome. Last evaluated: 2022-03-10. Review status: criteria provided, single submitter. Criteria: ACMG Guidelines, 2015. Collection method: clinical testing. Allele origin: germline. Affected: yes.

NM_017763.6(RNF43):c.2309-15G>A

Gene: RNF43 (ring finger protein 43; minus strand). Cytogenetic location: 17q22.
Variant type: single nucleotide variant.
Coding change: c.2309-15G>A on transcript NM_017763.6 (MANE Select); 15 bases into the intron before coding-DNA position 2309, G replaced by A.
Molecular consequence: intron variant.
Genome position (GRCh38, 1-based): chr17:58,355,001, C>T on the plus strand (G>A on the coding strand, the complement: RNF43 is on the minus strand). VCF-style: chr17-58355001-C-T. GRCh37 (hg19) VCF-style: chr17-56432362-C-T.
Other names: c.2309-15G>A (NM_001438822.1, NM_001305544.3, NM_017763.5); c.1928-15G>A (NM_001305545.2).
Identifiers: ClinVar variation 1618697 (VCV001618697.12), dbSNP rs2158460, ClinGen allele CA8672994.